The following is an entry in ClinVar:

ClinVar aggregate classification (germline): Uncertain significance (1 of 4 stars; one submission).

Allele frequency attached by ClinVar (database versions not stated): gnomAD 0.00001 and 0.00002; gnomAD exomes 0.00003 and 0.00009; ExAC 0.00007; TOPMed 0.00009; 1000 Genomes Project 30x 0.00031; 1000 Genomes Project 0.00040.
gnomAD v4.1: 49 of 1,614,126 alleles (0.003%); highest among the groups gnomAD compares: East Asian, 0.062%; no homozygotes.

Submission:

GeneDx
Classification: Uncertain significance. Last evaluated: 2020-10-15. Review status: criteria provided, single submitter. Criteria: GeneDx Variant Classification Process June 2021. Collection method: clinical testing. Allele origin: germline. Affected: yes.
Comment: Has not been previously published as pathogenic or benign to our knowledge; In silico analysis supports that this missense variant does not alter protein structure/function; This variant is associated with the following publications: (PMID: 31983221)

NM_001018116.2(CAVIN4):c.149G>A (p.Ser50Asn)

Gene: CAVIN4 (caveolae associated protein 4; plus strand). Cytogenetic location: 9q31.1.
Variant type: single nucleotide variant.
Coding change: c.149G>A on transcript NM_001018116.2 (MANE Select); coding-DNA position 149, G replaced by A.
Protein change: p.Ser50Asn; replaces serine 50 with asparagine.
Molecular consequence: missense variant.
Genome position (GRCh38, 1-based): chr9:100,578,292, G>A. VCF-style: chr9-100578292-G-A. GRCh37 (hg19) VCF-style: chr9-103340574-G-A.
Other names: short protein forms S50N.
Identifiers: ClinVar variation 1313356 (VCV001313356.2), dbSNP rs560877170, ClinGen allele CA5159995.